The following is an entry in ClinVar:

ClinVar aggregate classification (germline): Likely benign. Review status: criteria provided, multiple submitters, no conflicts (2 of 4 stars). 2 submissions from 2 submitters: Likely benign (2). Last evaluated 2025-09-02.

Allele frequency attached by ClinVar (database versions not stated): ExAC 0.00004; gnomAD exomes 0.00004 and 0.00005; TOPMed 0.00007; gnomAD 0.00009.
gnomAD v4.1: 96 of 1,612,816 alleles (0.006%); highest among the groups gnomAD compares: Admixed American, 0.0083%; no homozygotes.

Submissions (2):

Labcorp Genetics (formerly Invitae), Labcorp
Classification: Likely benign. Last evaluated: 2025-09-02. Review status: criteria provided, single submitter. Criteria: Invitae Variant Classification Sherloc (09022015). Collection method: clinical testing. Allele origin: germline.

Laboratory for Molecular Medicine, Mass General Brigham Personalized Medicine
Classification: Likely benign. Last evaluated: 2016-03-28. Review status: criteria provided, single submitter. Criteria: LMM Criteria. Collection method: clinical testing. Allele origin: germline.
Comment: Variant identified in a genome or exome case(s) and assessed due to predicted null impact of the variant or pathogenic assertions in the literature or databases. Disclaimer: This variant has not undergone full assessment. The following are preliminary notes: Outside splice consensus

NM_017827.4(SARS2):c.589+9C>T

Gene: SARS2 (seryl-tRNA synthetase 2, mitochondrial; minus strand). Cytogenetic location: 19q13.2.
Variant type: single nucleotide variant.
Coding change: c.589+9C>T on transcript NM_017827.4 (MANE Select); 9 bases into the intron after coding-DNA position 589, C replaced by T.
Molecular consequence: intron variant.
Genome position (GRCh38, 1-based): chr19:38,921,383, G>A on the plus strand (C>T on the coding strand, the complement: SARS2 is on the minus strand). VCF-style: chr19-38921383-G-A. GRCh37 (hg19) VCF-style: chr19-39412023-G-A.
Other names: c.595+9C>T (NM_001145901.2).
Identifiers: ClinVar variation 403412 (VCV000403412.10), dbSNP rs747815067, ClinGen allele CA9423123.